The following is an entry in ClinVar:

NM_020784.3(TXNDC16):c.633C>T (p.Leu211=)

Gene: TXNDC16 (thioredoxin domain containing 16; minus strand). Cytogenetic location: 14q22.1.
Variant type: single nucleotide variant.
Coding change: c.633C>T on transcript NM_020784.3 (MANE Select); coding-DNA position 633, C replaced by T.
Protein change: p.Leu211=; no amino-acid change (leucine 211 retained).
Molecular consequence: synonymous variant.
Genome position (GRCh38, 1-based): chr14:52,511,363, G>A on the plus strand (C>T on the coding strand, the complement: TXNDC16 is on the minus strand). VCF-style: chr14-52511363-G-A. GRCh37 (hg19) VCF-style: chr14-52978081-G-A.
Other names: c.618C>T, p.Leu206= (NM_001160047.2).
Identifiers: ClinVar variation 2644240 (VCV002644240.24), dbSNP rs548674668, ClinGen allele CA486411676.

ClinVar aggregate classification (germline): Likely benign (1 of 4 stars; one submission).

gnomAD v4.1: 13 of 1,601,816 alleles (0.00081%); highest among the groups gnomAD compares: South Asian, 0.0011%; no homozygotes.

Submission:

CeGaT Center for Human Genetics Tuebingen
Classification: Likely benign. Last evaluated: 2022-03-01. Review status: criteria provided, single submitter. Criteria: CeGaT Center For Human Genetics Tuebingen Variant Classification Criteria Version 2. Collection method: clinical testing. Allele origin: germline. Affected: yes. Observed: 1 variant allele.
Comment: TXNDC16: BP4, BP7